The following is an entry in ClinVar:

ClinVar aggregate classification (germline): Uncertain significance (1 of 4 stars; one submission).

Submission:

GeneDx
Classification: Uncertain significance. Last evaluated: 2023-04-18. Review status: criteria provided, single submitter. Criteria: GeneDx Variant Classification Process June 2021. Collection method: clinical testing. Allele origin: germline. Affected: yes.
Comment: Not observed at significant frequency in large population cohorts (gnomAD); In silico analysis supports a deleterious effect on splicing; Has not been previously published as pathogenic or benign to our knowledge

NM_025137.4(SPG11):c.4002-3T>G

Gene: SPG11 (SPG11 vesicle trafficking associated, spatacsin; minus strand). Cytogenetic location: 15q21.1.
Variant type: single nucleotide variant.
Coding change: c.4002-3T>G on transcript NM_025137.4 (MANE Select); 3 bases into the intron before coding-DNA position 4002, T replaced by G.
Molecular consequence: intron variant.
Genome position (GRCh38, 1-based): chr15:44,596,946, A>C on the plus strand (T>G on the coding strand, the complement: SPG11 is on the minus strand). VCF-style: chr15-44596946-A-C. GRCh37 (hg19) VCF-style: chr15-44889144-A-C.
Other names: c.4002-3T>G (NM_001411132.1, NM_001160227.2).
Identifiers: ClinVar variation 2662143 (VCV002662143.1), dbSNP rs1472668413, ClinGen allele CA2695197279.
Genomic context (GRCh38, chr15:44,596,946, plus strand): 5'-GTGTAGCCTGCAGAACTGCACCACTAATGCCCATTGGCTGCTAGATTCACTGGATAACCT[A>C]TAATCAGAATTAGAGGTGGGGGTGGTCAAGAAAAAACAAAAAACTCATTAAAATATAGCT-3'